The following is an entry in ClinVar:

NM_003816.3(ADAM9):c.320A>G (p.His107Arg)

Gene: ADAM9 (ADAM metallopeptidase domain 9; plus strand). Cytogenetic location: 8p11.22.
Variant type: single nucleotide variant.
Coding change: c.320A>G on transcript NM_003816.3 (MANE Select); coding-DNA position 320, A replaced by G.
Protein change: p.His107Arg; replaces histidine 107 with arginine.
Molecular consequence: missense variant. On other transcripts: non-coding transcript variant (3).
Genome position (GRCh38, 1-based): chr8:39,014,030, A>G. VCF-style: chr8-39014030-A-G. GRCh37 (hg19) VCF-style: chr8-38871549-A-G.
Other names: short protein forms H107R.
Identifiers: ClinVar variation 2117922 (VCV002117922.4), dbSNP rs2491969983, ClinGen allele CA370752441.

ClinVar aggregate classification (germline): Uncertain significance (1 of 4 stars; one submission).

Submission:

Labcorp Genetics (formerly Invitae), Labcorp
Classification: Uncertain significance. Last evaluated: 2022-03-26. Review status: criteria provided, single submitter. Criteria: Invitae Variant Classification Sherloc (09022015). Collection method: clinical testing. Allele origin: germline.
Comment: In summary, the available evidence is currently insufficient to determine the role of this variant in disease. Therefore, it has been classified as a Variant of Uncertain Significance. Algorithms developed to predict the effect of missense changes on protein structure and function output the following: SIFT: "Tolerated"; PolyPhen-2: "Benign"; Align-GVGD: "Class C0". The arginine amino acid residue is found in multiple mammalian species, which suggests that this missense change does not adversely affect protein function. This variant has not been reported in the literature in individuals affected with ADAM9-related conditions. This variant is not present in population databases (gnomAD no frequency). This sequence change replaces histidine, which is basic and polar, with arginine, which is basic and polar, at codon 107 of the ADAM9 protein (p.His107Arg).